The following is an entry in ClinVar:

NM_198578.4(LRRK2):c.706+3A>G

Gene: LRRK2 (leucine rich repeat kinase 2; plus strand). Cytogenetic location: 12q12.
Variant type: single nucleotide variant.
Coding change: c.706+3A>G on transcript NM_198578.4 (MANE Select); 3 bases into the intron after coding-DNA position 706, A replaced by G.
Molecular consequence: intron variant.
Genome position (GRCh38, 1-based): chr12:40,240,620, A>G. VCF-style: chr12-40240620-A-G. GRCh37 (hg19) VCF-style: chr12-40634422-A-G.
Identifiers: ClinVar variation 4874569 (VCV004874569.2).

ClinVar aggregate classification (germline): Likely benign (1 of 4 stars; one submission).

gnomAD v4.1: 1 of 1,612,524 alleles (0.000062%); highest among the groups gnomAD compares: East Asian, 0.0022%; no homozygotes.

Submission:

CeGaT Center for Human Genetics Tuebingen
Classification: Likely benign. Last evaluated: 2026-04-01. Review status: criteria provided, single submitter. Criteria: CeGaT Center For Human Genetics Tuebingen Variant Classification Criteria Version 2. Collection method: clinical testing. Allele origin: germline. Affected: yes. Observed: 1 variant allele.
Comment: LRRK2: BP4